The following is an entry in ClinVar:

NM_000548.5(TSC2):c.2403C>T (p.Ala801=)

Gene: TSC2 (TSC complex subunit 2; plus strand). Cytogenetic location: 16p13.3.
Variant type: single nucleotide variant.
Coding change: c.2403C>T on transcript NM_000548.5 (MANE Select); coding-DNA position 2403, C replaced by T.
Protein change: p.Ala801=; no amino-acid change (alanine 801 retained).
Molecular consequence: synonymous variant. On other transcripts: non-coding transcript variant (5).
Genome position (GRCh38, 1-based): chr16:2,074,247, C>T. VCF-style: chr16-2074247-C-T. GRCh37 (hg19) VCF-style: chr16-2124248-C-T.
Other names: c.2403C>T, p.Ala801= (NM_001077183.3, NM_001114382.3, NM_001363528.2 and 6 more transcripts); c.2292C>T, p.Ala764= (NM_001318827.2, NM_001406670.1, NM_001406678.1); c.2256C>T, p.Ala752= (NM_001318829.2, NM_001406675.1, NM_001406676.1 and 1 more transcripts); c.1803C>T, p.Ala601= (NM_001318831.2, NM_001406680.1, NM_001406682.1 and 6 more transcripts); c.2436C>T, p.Ala812= (NM_001318832.2); c.2493C>T, p.Ala831= (NM_001406667.1, NM_001406668.1); c.2391C>T, p.Ala797= (NM_001406671.1, NM_001406673.1); c.2346C>T, p.Ala782= (NM_001406677.1); and 3 more.
Identifiers: ClinVar variation 1790762 (VCV001790762.4), dbSNP rs2151348876, ClinGen allele CA492953053.

ClinVar aggregate classification (germline): Likely benign. Review status: criteria provided, multiple submitters, no conflicts (2 of 4 stars). 2 submissions from 2 submitters: Likely benign (2). Last evaluated 2026-05-01.

Conditions:
Hereditary cancer-predisposing syndrome. Also called: Hereditary neoplastic syndrome; Neoplastic Syndromes, Hereditary; Tumor predisposition; Hereditary Cancer Syndrome. Identifiers: Orphanet 140162, MedGen C0027672, MeSH D009386, MONDO:0015356.

Submissions (2):

CeGaT Center for Human Genetics Tuebingen
Classification: Likely benign. Last evaluated: 2026-05-01. Review status: criteria provided, single submitter. Criteria: CeGaT Center For Human Genetics Tuebingen Variant Classification Criteria Version 2. Collection method: clinical testing. Allele origin: germline. Affected: yes. Observed: 1 variant allele.
Comment: TSC2: PM2:Supporting, BP4, BP7

Ambry Genetics
Classification: Likely benign for Hereditary cancer-predisposing syndrome. Last evaluated: 2022-10-20. Review status: criteria provided, single submitter. Criteria: Ambry Variant Classification Scheme 2023. Collection method: clinical testing. Allele origin: germline.